The following is an entry in ClinVar:

ClinVar aggregate classification (germline): Uncertain significance (1 of 4 stars; one submission).

Submission:

Labcorp Genetics (formerly Invitae), Labcorp
Classification: Uncertain significance. Last evaluated: 2022-10-04. Review status: criteria provided, single submitter. Criteria: Invitae Variant Classification Sherloc (09022015). Collection method: clinical testing. Allele origin: germline.
Comment: In summary, the available evidence is currently insufficient to determine the role of this variant in disease. Therefore, it has been classified as a Variant of Uncertain Significance. This variant has not been reported in the literature in individuals affected with CPLANE1-related conditions. This variant results in a copy number gain of the genomic region encompassing exon(s) 1-5 of the CPLANE1 gene. This region includes the initiator codon of the gene. This copy number gain extends beyond the assayed region for this gene and therefore may encompass additional genes. As the precise location of this event is unknown, it may be in tandem or it may be located elsewhere in the genome.

NC_000005.9:g.(?_37244457)_(37371079_?)dup

Genes: CPLANE1 (ciliogenesis and planar polarity effector complex subunit 1; minus strand), NUP155 (nucleoporin 155; minus strand). Cytogenetic location: 5p13.2.
Variant type: Duplication.
Identifiers: ClinVar variation 2426792 (VCV002426792.4).